The following is an entry in ClinVar:

ClinVar aggregate classification (germline): Likely benign. Review status: criteria provided, multiple submitters, no conflicts (2 of 4 stars). 3 submissions from 3 submitters: Likely benign (2). 1 of the submissions does not count toward it. Last evaluated 2026-10-01.

Conditions:
ABCA4-related disorder. Also called: ABCA4-related disorders; ABCA4-related condition. Identifiers: MedGen CN239167.

Allele frequency attached by ClinVar (database versions not stated): gnomAD exomes 0.00002; ExAC 0.00003; TOPMed 0.00003; gnomAD 0.00004 and 0.00005.
gnomAD v4.1: 35 of 1,614,046 alleles (0.0022%); highest among the groups gnomAD compares: Middle Eastern, 0.016%; no homozygotes.

Submissions (3):

CeGaT Center for Human Genetics Tuebingen
Classification: Likely benign. Last evaluated: 2026-10-01. Review status: criteria provided, single submitter. Criteria: CeGaT Center For Human Genetics Tuebingen Variant Classification Criteria Version 2. Collection method: clinical testing. Allele origin: germline. Affected: yes. Observed: 1 variant allele.
Comment: ABCA4: BP4, BP7

Labcorp Genetics (formerly Invitae), Labcorp
Classification: Likely benign. Last evaluated: 2025-09-02. Review status: criteria provided, single submitter. Criteria: Invitae Variant Classification Sherloc (09022015). Collection method: clinical testing. Allele origin: germline.

PreventionGenetics, part of Exact Sciences
Classification: Likely benign for ABCA4-related condition. Last evaluated: 2024-06-30. Review status: no assertion criteria provided. Collection method: clinical testing. Allele origin: germline. Not counted in ClinVar's aggregate classification.
Comment: This variant is classified as likely benign based on ACMG/AMP sequence variant interpretation guidelines (Richards et al. 2015 PMID: 25741868, with internal and published modifications).

NM_000350.3(ABCA4):c.4947C>T (p.Pro1649=)

Genes: ABCA4 (ATP binding cassette subfamily A member 4; minus strand), LOC126805793 (CDK7 strongly-dependent group 2 enhancer GRCh37_chr1:94486302-94487501; plus strand). Cytogenetic location: 1p22.1.
Variant type: single nucleotide variant.
Coding change: c.4947C>T on transcript NM_000350.3 (MANE Select); coding-DNA position 4947, C replaced by T.
Protein change: p.Pro1649=; no amino-acid change (proline 1649 retained).
Molecular consequence: synonymous variant.
Genome position (GRCh38, 1-based): chr1:94,021,311, G>A on the plus strand (C>T on the coding strand, the complement: ABCA4 is on the minus strand). VCF-style: chr1-94021311-G-A. GRCh37 (hg19) VCF-style: chr1-94486867-G-A.
Other names: c.4725C>T, p.Pro1575= (NM_001425324.1); c.4947C>T (NM_000350.2).
Identifiers: ClinVar variation 1116074 (VCV001116074.11), dbSNP rs763852420, ClinGen allele CA957423.